The following is an entry in ClinVar:

ClinVar aggregate classification (germline): Uncertain significance (1 of 4 stars; one submission).

Conditions:
Cardiovascular phenotype. Identifiers: MedGen CN230736.

gnomAD v4.1: 8 of 1,528,688 alleles (0.00052%); highest among the groups gnomAD compares: African/African-American, 0.0014%; no homozygotes.

Submission:

Ambry Genetics
Classification: Uncertain significance for Cardiovascular phenotype. Last evaluated: 2026-02-22. Review status: criteria provided, single submitter. Criteria: Ambry Variant Classification Scheme 2023. Collection method: clinical testing. Allele origin: germline.
Comment: The p.E3265K variant (also known as c.9793G>A), located in coding exon 28 of the TNXB gene, results from a G to A substitution at nucleotide position 9793. The glutamic acid at codon 3265 is replaced by lysine, an amino acid with similar properties. This amino acid position is conserved. In addition, this alteration is predicted to be tolerated by in silico analysis. Based on the available evidence, the clinical significance of this variant remains unclear.

NM_001365276.2(TNXB):c.9799G>A (p.Glu3267Lys)

Gene: TNXB (tenascin XB; minus strand). Cytogenetic location: 6p21.33.
Variant type: single nucleotide variant.
Coding change: c.9799G>A on transcript NM_001365276.2 (MANE Select); coding-DNA position 9799, G replaced by A.
Protein change: p.Glu3267Lys; replaces glutamic acid 3267 with lysine.
Molecular consequence: missense variant.
Genome position (GRCh38, 1-based): chr6:32,048,609, C>T on the plus strand (G>A on the coding strand, the complement: TNXB is on the minus strand). VCF-style: chr6-32048609-C-T. GRCh37 (hg19) VCF-style: chr6-32016386-C-T.
Other names: c.10540G>A, p.Glu3514Lys (NM_001428335.1); c.9793G>A, p.Glu3265Lys (NM_019105.8); short protein forms E3267K, E3265K, E3514K.
Identifiers: ClinVar variation 4826799 (VCV004826799.1).